The following is an entry in ClinVar:

NM_001369.3(DNAH5):c.13457_13475del (p.Phe4485_Phe4486insTer)

Gene: DNAH5 (dynein axonemal heavy chain 5; minus strand). Cytogenetic location: 5p15.2.
Variant type: Deletion.
Coding change: c.13457_13475del on transcript NM_001369.3 (MANE Select); coding-DNA positions 13457 to 13475, 19 bases deleted (TTAACCCCCAGGGATTTTT).
Protein change: p.Phe4485_Phe4486insTer.
Molecular consequence: nonsense.
Genome position (GRCh38, 1-based): chr5:13,701,300-13,701,318, AAAAATCCCTGGGGGTTAA deleted on the plus strand (TTAACCCCCAGGGATTTTT on the coding strand, the reverse complement: DNAH5 is on the minus strand); deleting any 19 consecutive bases within chr5:13,701,300-13,701,323 gives the same sequence; the c. name uses the placement nearest the transcript's 3' end. VCF-style (leftmost placement, unchanged base first): chr5-13701299-TAAAAATCCCTGGGGGTTAA-T. GRCh37 (hg19) VCF-style: chr5-13701408-TAAAAATCCCTGGGGGTTAA-T.
Identifiers: ClinVar variation 1073620 (VCV001073620.7), dbSNP rs2126409121, ClinGen allele CA2499217594.

ClinVar aggregate classification (germline): Pathogenic (1 of 4 stars; one submission).

Conditions:
Primary ciliary dyskinesia. Also called: Ciliary dyskinesia. Identifiers: Orphanet 244, MedGen C0008780, MONDO:0016575, HP:0012265.

Submission:

Labcorp Genetics (formerly Invitae), Labcorp
Classification: Pathogenic for Primary ciliary dyskinesia. Last evaluated: 2023-11-19. Review status: criteria provided, single submitter. Criteria: Invitae Variant Classification Sherloc (09022015). Collection method: clinical testing. Allele origin: germline.
Comment: This sequence change creates a premature translational stop signal (p.Phe4486*) in the DNAH5 gene. It is expected to result in an absent or disrupted protein product. Loss-of-function variants in DNAH5 are known to be pathogenic (PMID: 11788826, 16627867). This variant is not present in population databases (gnomAD no frequency). This variant has not been reported in the literature in individuals affected with DNAH5-related conditions. ClinVar contains an entry for this variant (Variation ID: 1073620). For these reasons, this variant has been classified as Pathogenic.

Literature cited by the submitters: PubMed 11788826; PubMed 16627867.